The following is an entry in ClinVar:

NM_001127222.2(CACNA1A):c.159G>A (p.Ala53=)

Gene: CACNA1A (calcium voltage-gated channel subunit alpha1 A; minus strand). Cytogenetic location: 19p13.13.
Variant type: single nucleotide variant.
Coding change: c.159G>A on transcript NM_001127222.2 (MANE Select); coding-DNA position 159, G replaced by A.
Protein change: p.Ala53=; no amino-acid change (alanine 53 retained).
Molecular consequence: synonymous variant.
Genome position (GRCh38, 1-based): chr19:13,506,066, C>T on the plus strand (G>A on the coding strand, the complement: CACNA1A is on the minus strand). VCF-style: chr19-13506066-C-T. GRCh37 (hg19) VCF-style: chr19-13616880-C-T.
Other names: c.159G>A, p.Ala53= (NM_000068.4, NM_001127221.2, NM_001174080.2 and 1 more transcripts).
Identifiers: ClinVar variation 2069275 (VCV002069275.5), dbSNP rs767892925, ClinGen allele CA505802687.

ClinVar aggregate classification (germline): Conflicting classifications of pathogenicity. Review status: criteria provided, conflicting classifications (1 of 4 stars). 2 submissions from 2 submitters: Uncertain significance (1); Likely benign (1). Last evaluated 2023-05-07.

Conditions:
Developmental and epileptic encephalopathy, 42 (DEE42A). Also called: DEVELOPMENTAL AND EPILEPTIC ENCEPHALOPATHY 42A; EPILEPTIC ENCEPHALOPATHY, EARLY INFANTILE, 42A; Epileptic encephalopathy, early infantile, 42. Identifiers: MedGen C4310716, MONDO:0014917, OMIM 617106.
Episodic ataxia type 2 (EA2). Also called: ACETAZOLAMIDE-RESPONSIVE HEREDITARY PAROXYSMAL CEREBELLAR ATAXIA; ATAXIA, EPISODIC, WITH NYSTAGMUS; ATAXIA, FAMILIAL PAROXYSMAL; CEREBELLAR ATAXIA, PAROXYSMAL, ACETAZOLAMIDE-RESPONSIVE; CEREBELLOPATHY, HEREDITARY PAROXYSMAL; EPISODIC ATAXIA, NYSTAGMUS-ASSOCIATED. Identifiers: Orphanet 97, MedGen C1720416, MONDO:0007163, OMIM 108500.

gnomAD v4.1: 8 of 1,613,774 alleles (0.0005%); highest among the groups gnomAD compares: Admixed American, 0.0083%; no homozygotes.

Submissions (2):

GeneDx
Classification: Uncertain significance. Last evaluated: 2023-05-07. Review status: criteria provided, single submitter. Criteria: GeneDx Variant Classification Process June 2021. Collection method: clinical testing. Allele origin: germline. Affected: yes.
Comment: In silico analysis supports that this variant does not alter splicing; Has not been previously published as pathogenic or benign to our knowledge

Labcorp Genetics (formerly Invitae), Labcorp
Classification: Likely benign for Developmental and epileptic encephalopathy, 42; Episodic ataxia type 2. Last evaluated: 2022-09-04. Review status: criteria provided, single submitter. Criteria: Invitae Variant Classification Sherloc (09022015). Collection method: clinical testing. Allele origin: germline.